The following is an entry in ClinVar:

NM_000330.4(RS1):c.590G>A (p.Arg197His)

Genes: CDKL5 (cyclin dependent kinase like 5; plus strand), RS1 (retinoschisin 1; minus strand). Cytogenetic location: Xp22.13.
Variant type: single nucleotide variant.
Coding change: c.590G>A on transcript NM_000330.4 (MANE Select); coding-DNA position 590, G replaced by A.
Protein change: p.Arg197His; replaces arginine 197 with histidine.
Molecular consequence: missense variant. On other transcripts: intron variant (2).
Genome position (GRCh38, 1-based): chrX:18,642,089, C>T on the plus strand (G>A on the coding strand, the complement: RS1 is on the minus strand). VCF-style: chrX-18642089-C-T. GRCh37 (hg19) VCF-style: chrX-18660209-C-T.
Other names: NM_000330.3(RS1):c.590G>A(p.Arg197His); c.2714-3918C>T (NM_003159.3, NM_001037343.2); short protein forms R197H.
Identifiers: ClinVar variation 98997 (VCV000098997.55), dbSNP rs281865355, ClinGen allele CA226799.

ClinVar aggregate classification (germline): Pathogenic/Likely pathogenic. Review status: criteria provided, multiple submitters, no conflicts (2 of 4 stars). 12 submissions from 12 submitters: Pathogenic (9); Likely pathogenic (1). 2 of the submissions do not count toward it. Last evaluated 2025-10-07.

Conditions:
RS1-related disorder. Also called: RS1-related condition.
Inborn genetic diseases. Identifiers: MedGen C0950123, MeSH D030342.
Retinal dystrophy. Also called: Inherited retinal dystrophy. Identifiers: Orphanet 71862, MedGen C0854723, MeSH D058499, MONDO:0019118, HP:0000556.
Juvenile retinoschisis (RS1). Also called: X-Linked Juvenile Retinoschisis; X-linked retinoschisis. Identifiers: Orphanet 792, MedGen C3714753, MONDO:0010725, OMIM 312700.

Allele frequency attached by ClinVar (database versions not stated): gnomAD exomes below 0.00001 and 0.00001; gnomAD 0.00001.
gnomAD v4.1: 2 of 1,209,447 alleles (0.00017%); highest among the groups gnomAD compares: Non-Finnish European, 0.00011%; no homozygotes.

Submissions (12):

Ambry Genetics
Classification: Pathogenic for Inborn genetic diseases. Last evaluated: 2025-10-07. Review status: criteria provided, single submitter. Criteria: Ambry Variant Classification Scheme 2023. Collection method: clinical testing. Allele origin: germline.
Comment: The c.590G>A (p.R197H) alteration is located in exon 6 (coding exon 6) of the RS1 gene. This alteration results from a G to A substitution at nucleotide position 590, causing the arginine (R) at amino acid position 197 to be replaced by a histidine (H). Based on data from gnomAD, the A allele has an overall frequency of <0.001% (1/183097) total alleles studied. The highest observed frequency was 0.006% (1/16008) of European (Finnish) alleles. This variant was reported as hemizygous in individual(s) with features consistent with RS1-related congenital retinoschisis (Shukla, 2007; Rao, 2016; Sadaka, 2016; Stringa, 2017; Sudha, 2018; Kondo, 2019; Huang, 2020; Gao, 2021; Ambrosio, 2021; Liu, 2021; Bender, 2022; Schlottmann, 2023; Li, 2023; Wey, 2023; Wei, 2024; Lin, 2024). This amino acid position is highly conserved in available vertebrate species. This alteration is predicted to be deleterious by in silico analysis. Based on the available evidence, this alteration is classified as pathogenic.

Myriad Genetics, Inc.
Classification: Pathogenic for Juvenile retinoschisis. Last evaluated: 2025-06-03. Review status: criteria provided, single submitter. Criteria: Myriad Autosomal Dominant, Autosomal Recessive and X-Linked Classification Criteria (2023). Collection method: clinical testing. Allele origin: unknown.
Comment: NM_000330.3(RS1):c.590G>A(R197H) is a missense variant classified as pathogenic in the context of X-linked juvenile retinoschisis. R197H has been observed in cases with relevant disease (PMID: 9618178, 17631851, 19390641, 27246168, 28450823, 36729443, 39462066). Relevant functional assessments of this variant are available in the literature (PMID: 29851975). R197H has been observed in referenced population frequency databases. In summary, NM_000330.3(RS1):c.590G>A(R197H) is a missense variant that has been observed more frequently in cases with the relevant disease than in healthy populations. Please note: this variant was assessed in the context of healthy population screening.

Labcorp Genetics (formerly Invitae), Labcorp
Classification: Pathogenic. Last evaluated: 2025-04-23. Review status: criteria provided, single submitter. Criteria: Invitae Variant Classification Sherloc (09022015). Collection method: clinical testing. Allele origin: germline.
Comment: This sequence change replaces arginine, which is basic and polar, with histidine, which is basic and polar, at codon 197 of the RS1 protein (p.Arg197His). This variant is present in population databases (rs281865355, gnomAD 0.006%). This missense change has been observed in individuals with X-linked retinoschisis (PMID: 9618178, 27246168, 29851975, 30652005). ClinVar contains an entry for this variant (Variation ID: 98997). Invitae Evidence Modeling of protein sequence and biophysical properties (such as structural, functional, and spatial information, amino acid conservation, physicochemical variation, residue mobility, and thermodynamic stability) indicates that this missense variant is expected to disrupt RS1 protein function with a positive predictive value of 95%. Experimental studies have shown that this missense change affects RS1 function (PMID: 29851975). This variant disrupts the p.Arg197 amino acid residue in RS1. Other variant(s) that disrupt this residue have been determined to be pathogenic (PMID: 9618178, 10636421, 25799783, 30652005). This suggests that this residue is clinically significant, and that variants that disrupt this residue are likely to be disease-causing. For these reasons, this variant has been classified as Pathogenic.

Women's Health and Genetics/Laboratory Corporation of America, LabCorp
Classification: Pathogenic for Juvenile retinoschisis. Last evaluated: 2025-01-13. Review status: criteria provided, single submitter. Criteria: LabCorp Variant Classification Summary - May 2015. Collection method: clinical testing. Allele origin: germline.
Comment: Variant summary: RS1 c.590G>A (p.Arg197His) results in a non-conservative amino acid change located in the Coagulation factor 5/8, C-terminal domain (IPR000421) of the encoded protein sequence. Five of five in-silico tools predict a damaging effect of the variant on protein function. The variant allele was found at a frequency of 5.5e-06 in 183097 control chromosomes (gnomAD). c.590G>A has been reported in the literature in multiple individuals affected with Juvenile Retinoschisis (e.g. Shukla_2007, Sudha_2018, Ambrosio_2020, Wei_2024). These data indicate that the variant is likely to be associated with disease. At least one publication reported experimental evidence evaluating an impact on protein function, and demonstrated that the variant completely abolished secretion of the RS1 protein (Sudha_2018). The following publications have been ascertained in the context of this evaluation (PMID: 29851975, 17631851, 38324300, 33186570). ClinVar contains an entry for this variant (Variation ID: 98997). Based on the evidence outlined above, the variant was classified as pathogenic.

Blueprint Genetics
Classification: Pathogenic for RS1-related disorders. Last evaluated: 2024-05-28. Review status: criteria provided, single submitter. Criteria: ACMG Guidelines, 2015. Collection method: clinical testing. Allele origin: germline. Affected: yes. Observed: 5 variant alleles.

Institute of Human Genetics, Univ. Regensburg, Univ. Regensburg
Classification: Pathogenic for Retinal dystrophy. Last evaluated: 2023-01-01. Review status: criteria provided, single submitter. Criteria: ACMG Guidelines, 2015. Collection method: clinical testing. Allele origin: germline. Affected: yes.

SIB Swiss Institute of Bioinformatics
Classification: Likely pathogenic for Retinoschisis juvenile X-linked 1. Last evaluated: 2018-05-31. Review status: criteria provided, single submitter. Criteria: ACMG Guidelines, 2015. Collection method: curation. Allele origin: unknown.
Comment: This variant is interpreted as a Likely Pathogenic, for Retinoschisis juvenile X-linked 1, in X-linked Recessive manner. The following ACMG Tag(s) were applied: PM2 => Absent from controls (or at extremely low frequency if recessive) in Exome Sequencing Project, 1000 Genomes Project, or Exome Aggregation Consortium. PS4-Moderate => Observed in multiple unrelated patients. (PMID:17631851,29081674,27246168,28450823,19390641). PM5 => Novel missense change at an amino acid residue where a different missense change determined to be pathogenic has been seen before. PP3 => Multiple lines of computational evidence support a deleterious effect on the gene or gene product. PP1 => Cosegregation with disease in multiple affected family members in a gene definitively known to cause the disease (PMID:17631851).

CeGaT Center for Human Genetics Tuebingen
Classification: Pathogenic. Last evaluated: 2018-04-01. Review status: criteria provided, single submitter. Criteria: CeGaT Center For Human Genetics Tuebingen Variant Classification Criteria Version 2. Collection method: clinical testing. Allele origin: germline. Affected: yes. Observed: 1 variant allele.

GeneDx
Classification: Pathogenic. Last evaluated: 2017-06-21. Review status: criteria provided, single submitter. Criteria: GeneDx Variant Classification (06012015). Collection method: clinical testing. Allele origin: germline. Affected: yes.
Comment: The R197H missense variant in the RS1 gene has been reported previously in multiple unrelated individuals with X-linked retinoschisis (The Retinoschisis Consortium, 1998; Sadaka and Sisk, 2016; Sergeev et al., 2013). This variant is not observed in large population cohorts (Lek et al., 2016; 1000 Genomes Consortium et al., 2015; Exome Variant Server). The R197H variant is a conservative amino acid substitution, which should be unlikely to impact secondary protein structure as these residues share similar properties. However, this substitution occurs at a position that is conserved across species, and in silico analysis predicts this variant is probably damaging to the protein structure/function. In addition, missense variants in the same codon (R197S, R197C, R197P) and nearby residues (I194N, I195V, I199T, R200S, R200C, R200H) have been reported in the Human Gene Mutation Database in association with retinoschisis (Stenson et al., 2014; Inoue et al., 2000), supporting the functional importance of this region of the protein. We interpret R197H as a pathogenic variant.

Clinical Genetics Service, Universitary Hospital 12 de Octubre
Classification: Pathogenic for Juvenile retinoschisis. Review status: criteria provided, single submitter. Criteria: ACMG Guidelines, 2015. Collection method: clinical testing. Allele origin: de novo. Affected: yes.

Counsyl
Classification: Likely pathogenic for Juvenile retinoschisis. Last evaluated: 2016-08-10. Review status: no assertion criteria provided. Collection method: clinical testing. Allele origin: unknown. Not counted in ClinVar's aggregate classification.

Retina International
No classification provided. Review status: no classification provided. Collection method: not provided. Allele origin: unknown. Not counted in ClinVar's aggregate classification.

Literature cited by the submitters: PubMed 17631851 (cited by 5 submitters); PubMed 26655612 (cited by Ambry Genetics); PubMed 27246168 (cited by 6 submitters); PubMed 29081674 (cited by Ambry Genetics and SIB Swiss Institute of Bioinformatics); PubMed 29851975 (cited by 5 submitters); PubMed 30652005 (cited by 3 submitters); PubMed 33090715 (cited by Ambry Genetics and Institute of Human Genetics, Univ. Regensburg, Univ. Regensburg); PubMed 33124204 (cited by Ambry Genetics); PubMed 33186570 (cited by Ambry Genetics and Women's Health and Genetics/Laboratory Corporation of America, LabCorp); PubMed 33460243 (cited by Ambry Genetics); PubMed 35456481 (cited by Ambry Genetics and Institute of Human Genetics, Univ. Regensburg, Univ. Regensburg); PubMed 36729443 (cited by Ambry Genetics and Myriad Genetics, Inc.); PubMed 37217489 (cited by Ambry Genetics); PubMed 38020097 (cited by Ambry Genetics); PubMed 38219857 (cited by Ambry Genetics); PubMed 38324300 (cited by Ambry Genetics and Women's Health and Genetics/Laboratory Corporation of America, LabCorp); PubMed 19390641 (cited by 3 submitters); PubMed 28450823 (cited by Myriad Genetics, Inc. and SIB Swiss Institute of Bioinformatics); PubMed 39462066 (cited by Myriad Genetics, Inc.); PubMed 9618178 (cited by 4 submitters); PubMed 10636421 (cited by Labcorp Genetics (formerly Invitae), Labcorp); PubMed 25799783 (cited by Labcorp Genetics (formerly Invitae), Labcorp); PubMed 23847049 (cited by Institute of Human Genetics, Univ. Regensburg, Univ. Regensburg and Counsyl); PubMed 32531858 (cited by Institute of Human Genetics, Univ. Regensburg, Univ. Regensburg); PubMed 34822951 (cited by Institute of Human Genetics, Univ. Regensburg, Univ. Regensburg); PubMed 20061330 (cited by Counsyl).